The following is an entry in ClinVar:

NM_000051.4(ATM):c.8173G>C (p.Asp2725His)

Genes: ATM (ATM serine/threonine kinase; plus strand), C11orf65 (chromosome 11 open reading frame 65; minus strand). Cytogenetic location: 11q22.3.
Variant type: single nucleotide variant.
Coding change: c.8173G>C on transcript NM_000051.4 (MANE Select); coding-DNA position 8173, G replaced by C.
Protein change: p.Asp2725His; replaces aspartic acid 2725 with histidine.
Molecular consequence: missense variant. On other transcripts: intron variant (2).
Genome position (GRCh38, 1-based): chr11:108,335,866, G>C. VCF-style: chr11-108335866-G-C. GRCh37 (hg19) VCF-style: chr11-108206593-G-C.
Other names: c.8173G>C, p.Asp2725His (NM_001351834.2); c.641-26795C>G (NM_001330368.2); c.695-574C>G (NM_001351110.2); short protein forms D2725H.
Identifiers: ClinVar variation 141840 (VCV000141840.67), dbSNP rs587782049, ClinGen allele CA166572.

ClinVar aggregate classification (germline): Uncertain significance. Review status: criteria provided, multiple submitters, no conflicts (2 of 4 stars). 4 submissions from 4 submitters: Uncertain significance (2). 2 of the submissions do not count toward it. Last evaluated 2025-12-17.

Conditions:
Hereditary cancer-predisposing syndrome. Also called: Neoplastic Syndromes, Hereditary; Hereditary Cancer Syndrome; Tumor predisposition; Hereditary neoplastic syndrome. Identifiers: Orphanet 140162, MedGen C0027672, MeSH D009386, MONDO:0015356.
Ataxia-telangiectasia syndrome (AT). Also called: Ataxia-telangiectasia, complementation group D; AT, COMPLEMENTATION GROUP C; Ataxia-telangiectasia; ATAXIA-TELANGIECTASIA, COMPLEMENTATION GROUP A; ATAXIA-TELANGIECTASIA, FRESNO VARIANT; Ataxia-telangiectasia, complementation group E. Identifiers: Orphanet 100, MedGen C0004135, MONDO:0008840, OMIM 208900.

Allele frequency attached by ClinVar (database versions not stated): gnomAD 0.00001.
gnomAD v4.1: 1 of 1,613,812 alleles (0.000062%); highest among the groups gnomAD compares: Non-Finnish European, 0.000085%; no homozygotes.

Submissions (4):

Labcorp Genetics (formerly Invitae), Labcorp
Classification: Uncertain significance for Ataxia-telangiectasia syndrome. Last evaluated: 2025-12-17. Review status: criteria provided, single submitter. Criteria: Invitae Variant Classification Sherloc (09022015). Collection method: clinical testing. Allele origin: germline.
Comment: This sequence change replaces aspartic acid, which is acidic and polar, with histidine, which is basic and polar, at codon 2725 of the ATM protein (p.Asp2725His). This variant is not present in population databases (gnomAD no frequency). This variant has not been reported in the literature in individuals affected with ATM-related conditions. ClinVar contains an entry for this variant (Variation ID: 141840). Invitae Evidence Modeling of protein sequence and biophysical properties (such as structural, functional, and spatial information, amino acid conservation, physicochemical variation, residue mobility, and thermodynamic stability) indicates that this missense variant is expected to disrupt ATM protein function with a positive predictive value of 95%. In summary, the available evidence is currently insufficient to determine the role of this variant in disease. Therefore, it has been classified as a Variant of Uncertain Significance.

Ambry Genetics
Classification: Uncertain significance for Hereditary cancer-predisposing syndrome. Last evaluated: 2021-02-25. Review status: criteria provided, single submitter. Criteria: Ambry Variant Classification Scheme 2023. Collection method: clinical testing. Allele origin: germline.
Comment: The p.D2725H variant (also known as c.8173G>C), located in coding exon 55 of the ATM gene, results from a G to C substitution at nucleotide position 8173. The aspartic acid at codon 2725 is replaced by histidine, an amino acid with similar properties. This amino acid position is highly conserved in available vertebrate species. In addition, this alteration is predicted to be deleterious by in silico analysis. Since supporting evidence is limited at this time, the clinical significance of this alteration remains unclear.

Diagnostic Laboratory, Department of Genetics, University Medical Center Groningen
Classification: Uncertain significance. Review status: no assertion criteria provided. Collection method: clinical testing. Allele origin: germline. Affected: yes. Study: VKGL Data-share Consensus. Not counted in ClinVar's aggregate classification.

Joint Genome Diagnostic Labs from Nijmegen and Maastricht, Radboudumc and MUMC+
Classification: Uncertain significance. Review status: no assertion criteria provided. Collection method: clinical testing. Allele origin: germline. Affected: yes. Study: VKGL Data-share Consensus. Not counted in ClinVar's aggregate classification.